The following is an entry in ClinVar:

ClinVar aggregate classification (germline): Uncertain significance (1 of 4 stars; one submission).

Conditions:
Intellectual developmental disorder, X-linked, syndromic 33. Also called: Intellectual disability, X-linked, syndromic 33; X-linked intellectual disability-global development delay-facial dysmorphism-sacral caudal remnant syndrome. Identifiers: Orphanet 480907, MedGen C4225418, MONDO:0010500, OMIM 300966.

Submission:

Dasa
Classification: Uncertain significance for Intellectual developmental disorder, X-linked, syndromic 33. Last evaluated: 2026-01-28. Review status: criteria provided, single submitter. Criteria: DASA Assertion Criteria. Collection method: clinical testing. Allele origin: germline.
Comment: NM_004606.5(TAF1):c.2106G>T (p.Lys702Asn) is a missense variant that results in the substitution of lysine with asparagine. This variant is absent from population databases. Computational prediction algorithms are consistent with a benign effect. The currently available literature and clinical evidence are not sufficient to establish a definitive association between this variant and the reported condition. Therefore, this variant is classified as a variant of uncertain significance.

NM_004606.5(TAF1):c.2106G>T (p.Lys702Asn)

Gene: TAF1 (TATA-box binding protein associated factor 1; plus strand). Cytogenetic location: Xq13.1.
Variant type: single nucleotide variant.
Coding change: c.2106G>T on transcript NM_004606.5 (MANE Select); coding-DNA position 2106, G replaced by T.
Protein change: p.Lys702Asn; replaces lysine 702 with asparagine.
Molecular consequence: missense variant. On other transcripts: non-coding transcript variant (9).
Genome position (GRCh38, 1-based): chrX:71,384,120, G>T. VCF-style: chrX-71384120-G-T. GRCh37 (hg19) VCF-style: chrX-70603970-G-T.
Other names: c.2106G>T, p.Lys702Asn (NM_001286074.2, NM_001440852.1, NM_001440853.1); c.2043G>T, p.Lys681Asn (NM_001440854.1, NM_138923.4); short protein forms K681N, K702N.
Identifiers: ClinVar variation 4882337 (VCV004882337.2).
Genomic context (GRCh38, chrX:71,384,120, plus strand): 5'-AGAATATAGTGAGGAAAATGGACCCTTAATGATGCAGGTTGGCATGGCAACCAAGATAAA[G>T]AACTATTATAAACGGGTGAGTCTCTGCTCAGAAAATTTTTTTCCCATACATAATTCTGCT-3'
Protein context (NP_004597.3, residues 692-712): MMQVGMATKI[Lys702Asn]NYYKRKPGKD